The following is an entry in ClinVar:

NM_001377540.1(SLMAP):c.1406G>A (p.Ser469Asn)

Gene: SLMAP (sarcolemma associated protein; plus strand). Cytogenetic location: 3p14.3.
Variant type: single nucleotide variant.
Coding change: c.1406G>A on transcript NM_001377540.1 (MANE Select); coding-DNA position 1406, G replaced by A.
Protein change: p.Ser469Asn; replaces serine 469 with asparagine.
Molecular consequence: missense variant. On other transcripts: 5 prime UTR variant (7), non-coding transcript variant (1).
Genome position (GRCh38, 1-based): chr3:57,896,556, G>A. VCF-style: chr3-57896556-G-A. GRCh37 (hg19) VCF-style: chr3-57882283-G-A.
Other names: c.1355G>A, p.Ser452Asn (NM_001304420.3, NM_001377541.1, NM_001377542.1 and 2 more transcripts); c.1241G>A, p.Ser414Asn (NM_001304421.2, NM_001377557.1, NM_001377559.1 and 1 more transcripts); c.-44G>A (NM_001304422.3, NM_001304423.3, NM_001311178.2 and 4 more transcripts); c.1406G>A, p.Ser469Asn (NM_001377538.1, NM_001377539.1, NM_001377555.1); c.1343G>A, p.Ser448Asn (NM_001377545.1, NM_001377922.1); c.1304G>A, p.Ser435Asn (NM_001377549.1, NM_001377923.1, NM_007159.5); c.1292G>A, p.Ser431Asn (NM_001377551.1, NM_001377552.1, NM_001377924.1); short protein forms S414N, S448N, S469N, S431N, S452N, S435N.
Identifiers: ClinVar variation 3958280 (VCV003958280.1).

ClinVar aggregate classification (germline): Uncertain significance (1 of 4 stars; one submission).

gnomAD v4.1: 7 of 1,610,668 alleles (0.00043%); highest among the groups gnomAD compares: Middle Eastern, 0.016%; no homozygotes.

Submission:

Ambry Genetics
Classification: Uncertain significance. Last evaluated: 2025-06-07. Review status: criteria provided, single submitter. Criteria: Ambry Variant Classification Scheme 2023. Collection method: clinical testing. Allele origin: germline.
Comment: The p.S435N variant (also known as c.1304G>A), located in coding exon 13 of the SLMAP gene, results from a G to A substitution at nucleotide position 1304. The serine at codon 435 is replaced by asparagine, an amino acid with highly similar properties. This amino acid position is conserved. In addition, this alteration is predicted to be tolerated by in silico analysis. Based on the available evidence, the clinical significance of this variant remains unclear.